The following is an entry in ClinVar:

NM_005585.5(SMAD6):c.31C>T (p.Arg11Trp)

Gene: SMAD6 (SMAD family member 6; plus strand). Cytogenetic location: 15q22.31.
Variant type: single nucleotide variant.
Coding change: c.31C>T on transcript NM_005585.5 (MANE Select); coding-DNA position 31, C replaced by T.
Protein change: p.Arg11Trp; replaces arginine 11 with tryptophan.
Molecular consequence: missense variant. On other transcripts: non-coding transcript variant (1).
Genome position (GRCh38, 1-based): chr15:66,703,289, C>T. VCF-style: chr15-66703289-C-T. GRCh37 (hg19) VCF-style: chr15-66995627-C-T.
Other names: short protein forms R11W.
Identifiers: ClinVar variation 4751977 (VCV004751977.1).
Genomic context (GRCh38, chr15:66,703,289, plus strand): 5'-CCCCCCACCCCTGGCGCCAAAGGATATCGTATGTTCAGGTCCAAACGCTCGGGGCTGGTG[C>T]GGCGACTTTGGCGAAGTCGTGTGGTCCCCGACCGGGAGGAAGGCGGCAGCGGCGGCGGCG-3'
Protein context (NP_005576.3, residues 1-21): MFRSKRSGLV[Arg11Trp]RLWRSRVVPD

ClinVar aggregate classification (germline): Uncertain significance (1 of 4 stars; one submission).

Conditions:
Aortic valve disease 2 (AOVD2). Identifiers: MedGen C3542024, MONDO:0013902, OMIM 614823.

gnomAD v4.1: 5 of 1,490,300 alleles (0.00034%); highest among the groups gnomAD compares: Admixed American, 0.0023%; no homozygotes.

Submission:

Labcorp Genetics (formerly Invitae), Labcorp
Classification: Uncertain significance for Aortic valve disease 2. Last evaluated: 2025-04-02. Review status: criteria provided, single submitter. Criteria: Invitae Variant Classification Sherloc (09022015). Collection method: clinical testing. Allele origin: germline.
Comment: This sequence change replaces arginine, which is basic and polar, with tryptophan, which is neutral and slightly polar, at codon 11 of the SMAD6 protein (p.Arg11Trp). This variant is not present in population databases (gnomAD no frequency). This variant has not been reported in the literature in individuals affected with SMAD6-related conditions. An algorithm developed to predict the effect of missense changes on protein structure and function (PolyPhen-2) suggests that this variant is likely to be disruptive. In summary, the available evidence is currently insufficient to determine the role of this variant in disease. Therefore, it has been classified as a Variant of Uncertain Significance.